The following is an entry in ClinVar:

ClinVar aggregate classification (germline): Uncertain significance. Review status: criteria provided, single submitter (1 of 4 stars). 2 submissions from 2 submitters: Uncertain significance (1). 1 of the submissions does not count toward it. Last evaluated 2020-01-20.

Conditions:
Autosomal recessive inherited pseudoxanthoma elasticum (PXE). Identifiers: Orphanet 758, MedGen CN032334, MONDO:0009925, OMIM 264800.

Submissions (2):

GeneDx
Classification: Uncertain significance. Last evaluated: 2020-01-20. Review status: criteria provided, single submitter. Criteria: GeneDx Variant Classification Process June 2021. Collection method: clinical testing. Allele origin: germline. Affected: yes.
Comment: Reported in the heterozygous state in a patient with PXE in published literature; however, patient level information was not provided (Legrand et al., 2017); Not observed in large population cohorts (Lek et al., 2016); In silico analysis, which includes protein predictors and evolutionary conservation, supports a deleterious effect; This variant is associated with the following publications: (PMID: 28102862)

PXE International
Classification: Uncertain significance for Autosomal recessive inherited pseudoxanthoma elasticum. Last evaluated: 2021-02-16. Review status: no assertion criteria provided. Collection method: research. Allele origin: germline. Inheritance: Autosomal recessive inheritance. Affected: yes. Observed: 1 variant allele. Not counted in ClinVar's aggregate classification.

Literature cited by the submitters: PubMed 32873932 (cited by PXE International).

NM_001171.6(ABCC6):c.2230A>C (p.Thr744Pro)

Gene: ABCC6 (ATP binding cassette subfamily C member 6; minus strand). Cytogenetic location: 16p13.11.
Variant type: single nucleotide variant.
Coding change: c.2230A>C on transcript NM_001171.6 (MANE Select); coding-DNA position 2230, A replaced by C.
Protein change: p.Thr744Pro; replaces threonine 744 with proline.
Molecular consequence: missense variant. On other transcripts: non-coding transcript variant (1).
Genome position (GRCh38, 1-based): chr16:16,182,429, T>G on the plus strand (A>C on the coding strand, the complement: ABCC6 is on the minus strand). VCF-style: chr16-16182429-T-G. GRCh37 (hg19) VCF-style: chr16-16276286-T-G.
Other names: c.1888A>C, p.Thr630Pro (NM_001351800.1); short protein forms T744P, T630P.
Identifiers: ClinVar variation 433521 (VCV000433521.5), dbSNP rs1555513073, ClinGen allele CA394888251.
Genomic context (GRCh38, chr16:16,182,429, plus strand): 5'-ACTGCAATGTCTCCCTGTCCCAAAAAGACCCCCAAACTCTCACCTGCTCCCCAATTGAAG[T>G]GTGGATTCCCTCAGGGAAGCTGTCCACATCTGGCTGCAGGGCACAGGCTTCTAGTACTCT-3'
Protein context (NP_001162.5, residues 734-754): DVDSFPEGIH[Thr744Pro]SIGEQGMNLS